The following is an entry in ClinVar:

NM_001165963.4(SCN1A):c.5851G>T (p.Ala1951Ser)

Genes: SCN1A (sodium voltage-gated channel alpha subunit 1; minus strand), LOC102724058 (uncharacterized LOC102724058; plus strand). Cytogenetic location: 2q24.3.
Variant type: single nucleotide variant.
Coding change: c.5851G>T on transcript NM_001165963.4 (MANE Select); coding-DNA position 5851, G replaced by T.
Protein change: p.Ala1951Ser; replaces alanine 1951 with serine.
Molecular consequence: missense variant. On other transcripts: non-coding transcript variant (1).
Genome position (GRCh38, 1-based): chr2:165,991,424, C>A on the plus strand (G>T on the coding strand, the complement: SCN1A is on the minus strand). VCF-style: chr2-165991424-C-A. GRCh37 (hg19) VCF-style: chr2-166847934-C-A.
Other names: c.5767G>T, p.Ala1923Ser (NM_001165964.3, NM_001353957.2, NM_001353958.2); c.5851G>T, p.Ala1951Ser (NM_001202435.3, NM_001353948.2); c.5818G>T, p.Ala1940Ser (NM_001353949.2, NM_001353950.2, NM_001353951.2 and 2 more transcripts); c.5815G>T, p.Ala1939Ser (NM_001353954.2, NM_001353955.2); c.5764G>T, p.Ala1922Ser (NM_001353960.2); c.3409G>T, p.Ala1137Ser (NM_001353961.2); short protein forms A1940S, A1951S, A1923S, A1137S, A1922S, A1939S.
Identifiers: ClinVar variation 423837 (VCV000423837.12), dbSNP rs376656165, ClinGen allele CA16617275.

ClinVar aggregate classification (germline): Uncertain significance. Review status: criteria provided, multiple submitters, no conflicts (2 of 4 stars). 3 submissions from 3 submitters: Uncertain significance (3). Last evaluated 2026-01-14.

Conditions:
Early-infantile DEE. Also called: Early infantile epileptic encephalopathy with suppression bursts; Early infantile epileptic encephalopathy; Ohtahara syndrome. Identifiers: Orphanet 1934, MedGen C0393706, MONDO:0800491.
Severe myoclonic epilepsy in infancy (DRVT). Also called: Dravet syndrome; SEVERE MYOCLONIC EPILEPSY OF INFANCY; DEVELOPMENTAL AND EPILEPTIC ENCEPHALOPATHY 6A; Severe Myoclonic Epilepsy in Infancy (SMEI); Epileptic encephalopathy, early infantile, 6 (Dravet syndrome). Identifiers: Orphanet 33069, MedGen C0751122, MONDO:0100135, OMIM 607208.
Generalized epilepsy with febrile seizures plus, type 2 (GEFSP2). Also called: GEFS+, TYPE 2. Identifiers: Orphanet 36387, MedGen C1858673, MONDO:0011461, OMIM 604403.
Migraine, familial hemiplegic, 3. Identifiers: Orphanet 569, MedGen C1864987, MONDO:0012320, OMIM 609634.
Developmental and epileptic encephalopathy 6B. Also called: Developmental and epileptic encephalopathy 6B, non-Dravet. Identifiers: MedGen C5543353, MONDO:0030268, OMIM 619317.

Allele frequency attached by ClinVar (database versions not stated): gnomAD exomes 0.00001 and 0.00002; gnomAD 0.00002; TOPMed 0.00002; ESP Exome Variant Server 0.00008.
gnomAD v4.1: 36 of 1,613,650 alleles (0.0022%); highest among the groups gnomAD compares: Non-Finnish European, 0.0031%; no homozygotes.

Submissions (3):

Labcorp Genetics (formerly Invitae), Labcorp
Classification: Uncertain significance for Early-infantile DEE. Last evaluated: 2026-01-14. Review status: criteria provided, single submitter. Criteria: Invitae Variant Classification Sherloc (09022015). Collection method: clinical testing. Allele origin: germline.
Comment: This sequence change replaces alanine, which is neutral and non-polar, with serine, which is neutral and polar, at codon 1951 of the SCN1A protein (p.Ala1951Ser). This variant is present in population databases (rs376656165, gnomAD 0.003%). This missense change has been observed in individual(s) with epilepsy (PMID: 28202706). ClinVar contains an entry for this variant (Variation ID: 423837). Invitae Evidence Modeling of protein sequence and biophysical properties (such as structural, functional, and spatial information, amino acid conservation, physicochemical variation, residue mobility, and thermodynamic stability) indicates that this missense variant is not expected to disrupt SCN1A protein function with a negative predictive value of 95%. Algorithms developed to predict the effect of sequence changes on RNA splicing suggest that this variant may create or strengthen a splice site. In summary, the available evidence is currently insufficient to determine the role of this variant in disease. Therefore, it has been classified as a Variant of Uncertain Significance.

Fulgent Genetics
Classification: Uncertain significance for Generalized epilepsy with febrile seizures plus, type 2; Severe myoclonic epilepsy in infancy; Migraine, familial hemiplegic, 3; Developmental and epileptic encephalopathy 6B. Last evaluated: 2022-04-01. Review status: criteria provided, single submitter. Criteria: ACMG Guidelines, 2015. Collection method: clinical testing. Allele origin: unknown.

GeneDx
Classification: Uncertain significance. Last evaluated: 2017-02-28. Review status: criteria provided, single submitter. Criteria: GeneDx Variant Classification (06012015). Collection method: clinical testing. Allele origin: germline. Affected: yes.
Comment: The A1951S variant in the SCN1A gene has not been reported previously as a pathogenic variant, nor as a benign variant, to our knowledge. The A1951S variant is not observed at a significant frequency in large population cohorts (Lek et al., 2016; 1000 Genomes Consortium et al., 2015; Exome Variant Server). The A1951S variant is a non-conservative amino acid substitution, which is likely to impact secondary protein structure as these residues differ in polarity, charge, size and/or other properties. This substitution occurs at a position that is not conserved. In silico analysis is inconsistent in its predictions as to whether or not the variant is damaging to the protein structure/function. We interpret A1951S as a variant of uncertain significance

Literature cited by the submitters: PubMed 28202706 (cited by Labcorp Genetics (formerly Invitae), Labcorp).